The following is an entry in ClinVar:

NM_005228.5(EGFR):c.395T>C (p.Leu132Pro)

Gene: EGFR (epidermal growth factor receptor; plus strand). Cytogenetic location: 7p11.2.
Variant type: single nucleotide variant.
Coding change: c.395T>C on transcript NM_005228.5 (MANE Select); coding-DNA position 395, T replaced by C.
Protein change: p.Leu132Pro; replaces leucine 132 with proline.
Molecular consequence: missense variant. On other transcripts: intron variant (1).
Genome position (GRCh38, 1-based): chr7:55,143,459, T>C. VCF-style: chr7-55143459-T-C. GRCh37 (hg19) VCF-style: chr7-55211152-T-C.
Other names: c.395T>C, p.Leu132Pro (NM_001346897.2, NM_001346898.2, NM_001346899.2 and 3 more transcripts); c.236T>C, p.Leu79Pro (NM_001346900.2); c.89-12371T>C (NM_001346941.2); short protein forms L132P, L79P.
Identifiers: ClinVar variation 2979100 (VCV002979100.3), dbSNP rs2128927520, ClinGen allele CA367575955.

ClinVar aggregate classification (germline): Uncertain significance (1 of 4 stars; one submission).

Conditions:
EGFR-related lung cancer (EGFR). Identifiers: MedGen CN130014.

Submission:

Labcorp Genetics (formerly Invitae), Labcorp
Classification: Uncertain significance for EGFR-related lung cancer. Last evaluated: 2022-12-10. Review status: criteria provided, single submitter. Criteria: Invitae Variant Classification Sherloc (09022015). Collection method: clinical testing. Allele origin: germline.
Comment: Advanced modeling of protein sequence and biophysical properties (such as structural, functional, and spatial information, amino acid conservation, physicochemical variation, residue mobility, and thermodynamic stability) has been performed at Invitae for this missense variant, however the output from this modeling did not meet the statistical confidence thresholds required to predict the impact of this variant on EGFR protein function. In summary, the available evidence is currently insufficient to determine the role of this variant in disease. Therefore, it has been classified as a Variant of Uncertain Significance. This variant has not been reported in the literature in individuals affected with EGFR-related conditions. This variant is not present in population databases (gnomAD no frequency). This sequence change replaces leucine, which is neutral and non-polar, with proline, which is neutral and non-polar, at codon 132 of the EGFR protein (p.Leu132Pro).